The following is an entry in ClinVar:

ClinVar aggregate classification (germline): Uncertain significance. Review status: criteria provided, multiple submitters, no conflicts (2 of 4 stars). 2 submissions from 2 submitters: Uncertain significance (2). Last evaluated 2019-12-13.

Conditions:
Charcot-Marie-Tooth disease type 2. Also called: Charcot-Marie-Tooth type 2. Identifiers: Orphanet 64746, MedGen C0270914, MONDO:0018993.

gnomAD v4.1: 6 of 1,614,176 alleles (0.00037%); highest among the groups gnomAD compares: Non-Finnish European, 0.00042%; no homozygotes.

Submissions (2):

Labcorp Genetics (formerly Invitae), Labcorp
Classification: Uncertain significance for Charcot-Marie-Tooth disease type 2. Last evaluated: 2019-12-13. Review status: criteria provided, single submitter. Criteria: Invitae Variant Classification Sherloc (09022015). Collection method: clinical testing. Allele origin: germline.
Comment: In summary, the available evidence is currently insufficient to determine the role of this variant in disease. Therefore, it has been classified as a Variant of Uncertain Significance. Algorithms developed to predict the effect of missense changes on protein structure and function are either unavailable or do not agree on the potential impact of this missense change (SIFT: "Deleterious"; PolyPhen-2: "Benign"; Align-GVGD: "Class C0"). This variant has not been reported in the literature in individuals with AARS-related conditions. ClinVar contains an entry for this variant (Variation ID: 246189). This variant is not present in population databases (ExAC no frequency). This sequence change replaces isoleucine with phenylalanine at codon 470 of the AARS protein (p.Ile470Phe). The isoleucine residue is highly conserved and there is a small physicochemical difference between isoleucine and phenylalanine.

GeneDx
Classification: Uncertain significance. Last evaluated: 2015-12-16. Review status: criteria provided, single submitter. Criteria: GeneDx Variant Classification (06012015). Collection method: clinical testing. Allele origin: germline. Affected: yes.
Comment: The I470F variant has not been published as a pathogenic variant, nor has it been reported as a benign variant to our knowledge. It was not observed in approximately 6,500 individuals of European and African American ancestry in the NHLBI Exome Sequencing Project, indicating it is not a common benign variant in these populations. This substitution occurs at a position that is conserved across species, and in silico analysis predicts the I470F variant is probably damaging to the protein structure/function. However, this variant is a conservative amino acid substitution, which is not likely to impact secondary protein structure as these residues share similar properties. Additionally, other missense variants in nearby residues have not been reported in the Human Gene Mutation Database in association with AARS-related disorders (Stenson et al., 2014). Therefore, based on the currently available information, it is unclear whether the I470F variant is a pathogenic variant or a rare benign variant.

NM_001605.3(AARS1):c.1408A>T (p.Ile470Phe)

Gene: AARS1 (alanyl-tRNA synthetase 1; minus strand). Cytogenetic location: 16q22.1.
Variant type: single nucleotide variant.
Coding change: c.1408A>T on transcript NM_001605.3 (MANE Select); coding-DNA position 1408, A replaced by T.
Protein change: p.Ile470Phe; replaces isoleucine 470 with phenylalanine.
Molecular consequence: missense variant.
Genome position (GRCh38, 1-based): chr16:70,265,042, T>A on the plus strand (A>T on the coding strand, the complement: AARS1 is on the minus strand). VCF-style: chr16-70265042-T-A. GRCh37 (hg19) VCF-style: chr16-70298945-T-A.
Other names: short protein forms I470F.
Identifiers: ClinVar variation 246189 (VCV000246189.12), dbSNP rs879254145, ClinGen allele CA10584531.